The following is an entry in ClinVar:

ClinVar aggregate classification (germline): Benign. Review status: criteria provided, multiple submitters, no conflicts (2 of 4 stars). 4 submissions from 3 submitters: Benign (4). Last evaluated 2023-05-04.

Conditions:
Usher syndrome type 2A. Also called: USHER SYNDROME, TYPE IIA; RETINAL DISEASE IN USHER SYNDROME TYPE IIA, MODIFIER OF. Identifiers: Orphanet 231178, Orphanet 886, MedGen C1848634, MONDO:0010169, OMIM 276901.
Retinitis pigmentosa 39 (RP39). Identifiers: Orphanet 791, MedGen C3151138, MONDO:0013436, OMIM 613809.

Submissions (4):

Molecular Genetics, Royal Melbourne Hospital
Classification: Benign for Usher syndrome type 2A. Last evaluated: 2023-05-04. Review status: criteria provided, single submitter. Criteria: ACMG Guidelines, 2015. Collection method: clinical testing. Allele origin: germline. Affected: yes.
Comment: East Asian population allele frequency is 71.47% (rs529516454, 11,821/15,712 alleles, 3965 homozygotes in gnomAD v2.1). Based on the classification scheme RMH Modified ACMG/AMP Guidelines v1.4.0, this variant is classified as BENIGN. Following criteria are met: BA1

Genome-Nilou Lab
Classification: Benign for Retinitis pigmentosa 39. Last evaluated: 2021-12-05. Review status: criteria provided, single submitter. Criteria: ACMG Guidelines, 2015. Collection method: clinical testing. Allele origin: germline. Affected: no.

Genome-Nilou Lab
Classification: Benign for Usher syndrome type 2A. Last evaluated: 2021-12-05. Review status: criteria provided, single submitter. Criteria: ACMG Guidelines, 2015. Collection method: clinical testing. Allele origin: germline. Affected: no.

GeneDx
Classification: Benign. Last evaluated: 2019-08-08. Review status: criteria provided, single submitter. Criteria: GeneDx Variant Classification Process June 2021. Collection method: clinical testing. Allele origin: germline. Affected: yes.

NM_206933.4(USH2A):c.12067-31del

Gene: USH2A (usherin; minus strand). Cytogenetic location: 1q41.
Variant type: Deletion.
Coding change: c.12067-31del on transcript NM_206933.4 (MANE Select); 31 bases into the intron before coding-DNA position 12067, one base deleted (A; older notation c.12067-31delA).
Molecular consequence: intron variant.
Genome position (GRCh38, 1-based): chr1:215,680,407, T deleted on the plus strand (A on the coding strand, the reverse complement: USH2A is on the minus strand); the first of 12 consecutive T bases (chr1:215,680,407-215,680,418); deleting any one gives the same sequence. VCF-style (leftmost placement, unchanged base first): chr1-215680406-GT-G. GRCh37 (hg19) VCF-style: chr1-215853748-GT-G.
Other names: c.12067-31delA (NM_206933.4).
Identifiers: ClinVar variation 1225305 (VCV001225305.5), dbSNP rs5780842, ClinGen allele CA1393550.